The following is an entry in ClinVar:

NC_000023.10:g.(?_32591627)_(32614013_?)dup

Gene: DMD (dystrophin; minus strand). Cytogenetic location: Xp21.1.
Variant type: Duplication.
Identifiers: ClinVar variation 3242820 (VCV003242820.1).

ClinVar aggregate classification (germline): Uncertain significance (1 of 4 stars; one submission).

Conditions:
Duchenne muscular dystrophy (DMD). Also called: MUSCULAR DYSTROPHY, PSEUDOHYPERTROPHIC PROGRESSIVE, DUCHENNE TYPE; Duchenne Muscular Dystrophy (DMD). Identifiers: Orphanet 98896, MedGen C0013264, MONDO:0010679, OMIM 310200.

Submission:

Labcorp Genetics (formerly Invitae), Labcorp
Classification: Uncertain significance for Duchenne muscular dystrophy. Last evaluated: 2024-01-29. Review status: criteria provided, single submitter. Criteria: Invitae Variant Classification Sherloc (09022015). Collection method: clinical testing. Allele origin: unknown.
Comment: This variant results in a copy number gain of the genomic region encompassing exon(s) 13-15 of the DMD gene. While the exact position of this variant cannot be determined from the data, sub-genic copy number gains are generally in tandem (PMID: 25640679). This variant is predicted to be in-frame, and likely preserves the integrity of the reading frame. This variant has not been reported in the literature in individuals affected with DMD-related conditions. Experimental studies and prediction algorithms are not available or were not evaluated, and the functional significance of this variant is currently unknown. In summary, the available evidence is currently insufficient to determine the role of this variant in disease. Therefore, it has been classified as a Variant of Uncertain Significance.

Literature cited by the submitters: PubMed 25640679.